The following is an entry in ClinVar:

NM_001004738.2(OR5L1):c.393A>G (p.Leu131=)

Gene: OR5L1 (olfactory receptor family 5 subfamily L member 1; plus strand). Cytogenetic location: 11q12.1.
Variant type: single nucleotide variant.
Coding change: c.393A>G on transcript NM_001004738.2 (MANE Select); coding-DNA position 393, A replaced by G.
Protein change: p.Leu131=; no amino-acid change (leucine 131 retained).
Molecular consequence: synonymous variant.
Genome position (GRCh38, 1-based): chr11:55,811,859, A>G. VCF-style: chr11-55811859-A-G. GRCh37 (hg19) VCF-style: chr11-55579335-A-G.
Identifiers: ClinVar variation 3025671 (VCV003025671.22), dbSNP rs746521600, ClinGen allele CA5992714.

ClinVar aggregate classification (germline): Likely benign (1 of 4 stars; one submission).

Allele frequency attached by ClinVar (database versions not stated): gnomAD 0.00001; ExAC 0.00784.

Submission:

CeGaT Center for Human Genetics Tuebingen
Classification: Likely benign. Last evaluated: 2024-02-01. Review status: criteria provided, single submitter. Criteria: CeGaT Center For Human Genetics Tuebingen Variant Classification Criteria Version 2. Collection method: clinical testing. Allele origin: germline. Affected: yes. Observed: 1 variant allele.
Comment: OR5L1: BP4, BP7